The following is an entry in ClinVar:

NM_138694.4(PKHD1):c.11566A>T (p.Lys3856Ter)

Gene: PKHD1 (PKHD1 ciliary IPT domain containing fibrocystin/polyductin; minus strand). Cytogenetic location: 6p12.3.
Variant type: single nucleotide variant.
Coding change: c.11566A>T on transcript NM_138694.4 (MANE Select); coding-DNA position 11566, A replaced by T.
Protein change: p.Lys3856Ter; replaces lysine 3856 with a stop codon.
Molecular consequence: nonsense.
Genome position (GRCh38, 1-based): chr6:51,632,664, T>A on the plus strand (A>T on the coding strand, the complement: PKHD1 is on the minus strand). VCF-style: chr6-51632664-T-A. GRCh37 (hg19) VCF-style: chr6-51497462-T-A.
Other names: short protein forms K3856*.
Identifiers: ClinVar variation 1076676 (VCV001076676.7), dbSNP rs1409782065, ClinGen allele CA364420255.
Genomic context (GRCh38, chr6:51,632,664, plus strand): 5'-AGCTCAGAGCCAGCCATGAGGCCACAGAGGACAGGGAAGCAGCCAGGATGATGGTCGACT[T>A]CTCCTTCCTAGTCACAGGCAAGACAGCAAATGGCTTGGATCGAGCTGTAAAATTGACTCC-3'

ClinVar aggregate classification (germline): Pathogenic (1 of 4 stars; one submission).

Conditions:
Autosomal recessive polycystic kidney disease (ARPKD). Also called: AR polycystic kidney disease. Identifiers: Orphanet 731, Orphanet 8378, MedGen C0085548, MeSH D017044, MONDO:0009889.

Submission:

Labcorp Genetics (formerly Invitae), Labcorp
Classification: Pathogenic for Autosomal recessive polycystic kidney disease. Last evaluated: 2021-01-27. Review status: criteria provided, single submitter. Criteria: Invitae Variant Classification Sherloc (09022015). Collection method: clinical testing. Allele origin: germline.
Comment: For these reasons, this variant has been classified as Pathogenic. Loss-of-function variants in PKHD1 are known to be pathogenic (PMID: 19940839). This variant has not been reported in the literature in individuals with PKHD1-related conditions. This variant is not present in population databases (ExAC no frequency). This sequence change creates a premature translational stop signal (p.Lys3856*) in the PKHD1 gene. It is expected to result in an absent or disrupted protein product.

Literature cited by the submitters: PubMed 19940839.